The following is an entry in ClinVar:

ClinVar aggregate classification (germline): Uncertain significance (1 of 4 stars; one submission).

Allele frequency attached by ClinVar (database versions not stated): gnomAD exomes below 0.00001.

Submission:

Labcorp Genetics (formerly Invitae), Labcorp
Classification: Uncertain significance. Last evaluated: 2022-06-13. Review status: criteria provided, single submitter. Criteria: Invitae Variant Classification Sherloc (09022015). Collection method: clinical testing. Allele origin: germline.
Comment: This variant has not been reported in the literature in individuals affected with PAM16-related conditions. In summary, the available evidence is currently insufficient to determine the role of this variant in disease. Therefore, it has been classified as a Variant of Uncertain Significance. Algorithms developed to predict the effect of sequence changes on RNA splicing suggest that this variant may create or strengthen a splice site. Algorithms developed to predict the effect of missense changes on protein structure and function (SIFT, PolyPhen-2, Align-GVGD) all suggest that this variant is likely to be disruptive. This variant is present in population databases (no rsID available, gnomAD 0.0009%). This sequence change replaces phenylalanine, which is neutral and non-polar, with cysteine, which is neutral and slightly polar, at codon 81 of the PAM16 protein (p.Phe81Cys).

NM_016069.11(PAM16):c.242T>G (p.Phe81Cys)

Genes: CORO7-PAM16 (CORO7-PAM16 readthrough; minus strand), PAM16 (presequence translocase associated motor 16; minus strand). Cytogenetic location: 16p13.3.
Variant type: single nucleotide variant.
Coding change: c.242T>G on transcript NM_016069.11 (MANE Select); coding-DNA position 242, T replaced by G.
Protein change: p.Phe81Cys; replaces phenylalanine 81 with cysteine.
Molecular consequence: missense variant.
Genome position (GRCh38, 1-based): chr16:4,340,969, A>C on the plus strand (T>G on the coding strand, the complement: PAM16 is on the minus strand). VCF-style: chr16-4340969-A-C. GRCh37 (hg19) VCF-style: chr16-4390970-A-C.
Other names: c.3011T>G, p.Phe1004Cys (NM_001201479.2); short protein forms F1004C, F81C.
Identifiers: ClinVar variation 1442321 (VCV001442321.8), dbSNP rs995312938, ClinGen allele CA394602784.
Genomic context (GRCh38, chr16:4,340,969, plus strand): 5'-AGACCACTCACCTTTGACTGCAGGTAGAAGGAGCCACCCACGGATTTATCATTCACCTTA[A>C]ATAAGTGTTCATAGTTCTGCAGAGGAGAGGGGACGGGTGAGAGGGCTGCAGACTGCAGGC-3'
Protein context (NP_057153.8, residues 71-91): EEVQKNYEHL[Phe81Cys]KVNDKSVGGS